The following is an entry in ClinVar:

ClinVar aggregate classification (germline): Uncertain significance. Review status: criteria provided, multiple submitters, no conflicts (2 of 4 stars). 3 submissions from 3 submitters: Uncertain significance (3). Last evaluated 2024-04-04.

Conditions:
Cardiovascular phenotype. Identifiers: MedGen CN230736.
Cardiomyopathy (CMYO). Also called: Cardiomyopathies. Identifiers: Orphanet 167848, MedGen C0878544, MONDO:0004994, HP:0001638. Inheritance: Various modes of inheritance.
Catecholaminergic polymorphic ventricular tachycardia 1. Also called: RYR2-Related Catecholaminergic Polymorphic Ventricular Tachycardia; VENTRICULAR TACHYCARDIA, STRESS-INDUCED POLYMORPHIC 1; VENTRICULAR TACHYCARDIA, CATECHOLAMINERGIC POLYMORPHIC, 1, WITH OR WITHOUT ATRIAL DYSFUNCTION AND/OR DILATED CARDIOMYOPATHY. Identifiers: Orphanet 3286, MedGen C1631597, MONDO:0011484, OMIM 604772.

Submissions (3):

Ambry Genetics
Classification: Uncertain significance for Cardiovascular phenotype. Last evaluated: 2024-04-04. Review status: criteria provided, single submitter. Criteria: Ambry Variant Classification Scheme 2023. Collection method: clinical testing. Allele origin: germline.
Comment: The p.S922T variant (also known as c.2764T>A), located in coding exon 24 of the RYR2 gene, results from a T to A substitution at nucleotide position 2764. The serine at codon 922 is replaced by threonine, an amino acid with similar properties. This amino acid position is not well conserved in available vertebrate species. In addition, this alteration is predicted to be tolerated by in silico analysis. Based on the available evidence, the clinical significance of this alteration remains unclear.

Color Diagnostics, LLC DBA Color Health
Classification: Uncertain significance for Cardiomyopathy. Last evaluated: 2024-03-07. Review status: criteria provided, single submitter. Criteria: ACMG Guidelines, 2015. Collection method: clinical testing. Allele origin: germline.
Comment: This missense variant replaces serine with threonine at codon 922 of the RYR2 protein. Computational prediction suggests that this variant may not impact protein structure and function. To our knowledge, functional studies have not been reported for this variant. This variant has not been reported in individuals affected with RYR2-related disorders in the literature. This variant has not been identified in the general population by the Genome Aggregation Database (gnomAD). The available evidence is insufficient to determine the role of this variant in disease conclusively. Therefore, this variant is classified as a Variant of Uncertain Significance.

Labcorp Genetics (formerly Invitae), Labcorp
Classification: Uncertain significance for Catecholaminergic polymorphic ventricular tachycardia 1. Last evaluated: 2022-03-14. Review status: criteria provided, single submitter. Criteria: Invitae Variant Classification Sherloc (09022015). Collection method: clinical testing. Allele origin: germline.
Comment: This sequence change replaces serine, which is neutral and polar, with threonine, which is neutral and polar, at codon 922 of the RYR2 protein (p.Ser922Thr). This variant is not present in population databases (gnomAD no frequency). This variant has not been reported in the literature in individuals affected with RYR2-related conditions. Advanced modeling of protein sequence and biophysical properties (such as structural, functional, and spatial information, amino acid conservation, physicochemical variation, residue mobility, and thermodynamic stability) performed at Invitae indicates that this missense variant is not expected to disrupt RYR2 protein function. In summary, the available evidence is currently insufficient to determine the role of this variant in disease. Therefore, it has been classified as a Variant of Uncertain Significance.

NM_001035.3(RYR2):c.2764T>A (p.Ser922Thr)

Gene: RYR2 (ryanodine receptor 2; plus strand). Cytogenetic location: 1q43.
Variant type: single nucleotide variant.
Coding change: c.2764T>A on transcript NM_001035.3 (MANE Select); coding-DNA position 2764, T replaced by A.
Protein change: p.Ser922Thr; replaces serine 922 with threonine.
Molecular consequence: missense variant.
Genome position (GRCh38, 1-based): chr1:237,511,733, T>A. VCF-style: chr1-237511733-T-A. GRCh37 (hg19) VCF-style: chr1-237675033-T-A.
Other names: c.2764T>A (NM_001035.2); short protein forms S922T.
Identifiers: ClinVar variation 2093549 (VCV002093549.6), dbSNP rs2545966566, ClinGen allele CA345383392.